The following is an entry in ClinVar:

ClinVar aggregate classification (germline): Uncertain significance (1 of 4 stars; one submission).

Conditions:
D-2-hydroxyglutaric aciduria 2 (D2HGA2). Identifiers: Orphanet 79315, MedGen C3150909, MONDO:0013345, OMIM 613657.

Submission:

Labcorp Genetics (formerly Invitae), Labcorp
Classification: Uncertain significance for D-2-hydroxyglutaric aciduria 2. Last evaluated: 2022-09-01. Review status: criteria provided, single submitter. Criteria: Invitae Variant Classification Sherloc (09022015). Collection method: clinical testing. Allele origin: germline.
Comment: In summary, the available evidence is currently insufficient to determine the role of this variant in disease. Therefore, it has been classified as a Variant of Uncertain Significance. Algorithms developed to predict the effect of sequence changes on RNA splicing suggest that this variant may create or strengthen a splice site. Algorithms developed to predict the effect of missense changes on protein structure and function (SIFT, PolyPhen-2, Align-GVGD) all suggest that this variant is likely to be tolerated. This variant has not been reported in the literature in individuals affected with IDH2-related conditions. This variant is not present in population databases (gnomAD no frequency). This sequence change replaces methionine, which is neutral and non-polar, with isoleucine, which is neutral and non-polar, at codon 219 of the IDH2 protein (p.Met219Ile).

NM_002168.4(IDH2):c.657G>A (p.Met219Ile)

Gene: IDH2 (isocitrate dehydrogenase (NADP(+)) 2; minus strand). Cytogenetic location: 15q26.1.
Variant type: single nucleotide variant.
Coding change: c.657G>A on transcript NM_002168.4 (MANE Select); coding-DNA position 657, G replaced by A.
Protein change: p.Met219Ile; replaces methionine 219 with isoleucine.
Molecular consequence: missense variant.
Genome position (GRCh38, 1-based): chr15:90,088,380, C>T on the plus strand (G>A on the coding strand, the complement: IDH2 is on the minus strand). VCF-style: chr15-90088380-C-T. GRCh37 (hg19) VCF-style: chr15-90631612-C-T.
Other names: c.501G>A, p.Met167Ile (NM_001289910.1); c.267G>A, p.Met89Ile (NM_001290114.2); short protein forms M167I, M89I, M219I.
Identifiers: ClinVar variation 2126795 (VCV002126795.4), dbSNP rs781210751, ClinGen allele CA393801920.